The following is an entry in ClinVar:

ClinVar aggregate classification (germline): Uncertain significance. Review status: criteria provided, single submitter (1 of 4 stars). 2 submissions from 1 submitter: Uncertain significance (1). 1 of the submissions does not count toward it. Last evaluated 2021-03-25.

Conditions:
Autoimmune interstitial lung disease-arthritis syndrome. Also called: Autoinflammation and autoimmunity, systemic, with immune dysregulation. Identifiers: Orphanet 444092, MedGen C5975714, MONDO:0014629.

Submissions (2):

Labcorp Genetics (formerly Invitae), Labcorp
Classification: Uncertain significance for Autoimmune interstitial lung disease-arthritis syndrome. Last evaluated: 2021-03-25. Review status: criteria provided, single submitter. Criteria: Invitae Variant Classification Sherloc (09022015). Collection method: clinical testing. Allele origin: germline.
Comment: A copy number gain of the genomic region encompassing the full coding sequence of the COPA gene has been identified. The boundaries of this event are unknown as they extend beyond the assayed region for this gene and therefore may encompass additional genes. As the precise location of this event is unknown, it may be in tandem or it may be located elsewhere in the genome. This variant has not been reported in the literature in individuals with COPA-related conditions. Experimental studies and prediction algorithms are not available or were not evaluated, and the functional significance of this variant is currently unknown. In summary, the available evidence is currently insufficient to determine the role of this variant in disease. Therefore, it has been classified as a Variant of Uncertain Significance.

Labcorp Genetics (formerly Invitae), Labcorp
Classification: Uncertain significance. Last evaluated: 2021-03-25. Review status: flagged submission. Criteria: Invitae Variant Classification Sherloc (09022015). Collection method: clinical testing. Allele origin: germline. Not counted in ClinVar's aggregate classification.
Comment: A copy number gain of the genomic region encompassing the full coding sequence of the NCSTN gene has been identified. The boundaries of this event are unknown as they extend beyond the assayed region for this gene and therefore may encompass additional genes. As the precise location of this event is unknown, it may be in tandem or it may be located elsewhere in the genome. This variant has not been reported in the literature in individuals with NCSTN-related conditions. Experimental studies and prediction algorithms are not available or were not evaluated, and the functional significance of this variant is currently unknown. In summary, the available evidence is currently insufficient to determine the role of this variant in disease. Therefore, it has been classified as a Variant of Uncertain Significance.
ClinVar note: Reason: This record appears to be redundant with a more recent record from the same submitter.
ClinVar note: Notes: SCV002185311 appears to be redundant with SCV002192788.

NC_000001.10:g.(?_158581054)_(162750036_?)dup

Genes: FCRL6 (Fc receptor like 6; plus strand), OR6K3 (olfactory receptor family 6 subfamily K member 3; minus strand), OR6K6 (olfactory receptor family 6 subfamily K member 6; plus strand), PEX19 (peroxisomal biogenesis factor 19; minus strand), PFDN2 (prefoldin subunit 2; minus strand) and 87 more. Cytogenetic location: 1q23.1-23.3.
Variant type: Duplication.
Identifiers: ClinVar variation 1411942 (VCV001411942.4).